The following is an entry in ClinVar:

NM_000276.4(OCRL):c.1148_1149del (p.Asp382_Phe383insTer)

Gene: OCRL (OCRL inositol polyphosphate-5-phosphatase; plus strand). Cytogenetic location: Xq26.1.
Variant type: Deletion.
Coding change: c.1148_1149del on transcript NM_000276.4 (MANE Select); coding-DNA positions 1148 to 1149, 2 bases deleted (TT; older notation c.1148_1149delTT).
Protein change: p.Asp382_Phe383insTer.
Molecular consequence: nonsense.
Genome position (GRCh38, 1-based): chrX:129,562,690-129,562,691, TT deleted; deleting any 2 consecutive bases within chrX:129,562,689-129,562,691 gives the same sequence; the c. name uses the placement nearest the transcript's 3' end. VCF-style (leftmost placement, unchanged base first): chrX-129562688-CTT-C. GRCh37 (hg19) VCF-style: chrX-128696665-CTT-C.
Other names: c.1151_1152del, p.Asp383_Phe384insTer (NM_001318784.2); c.1148_1149del, p.Asp382_Phe383insTer (NM_001587.4).
Identifiers: ClinVar variation 2579440 (VCV002579440.1), dbSNP rs2521890137, ClinGen allele CA2580617847.
Genomic context (GRCh38, chrX:129,562,688, plus strand): 5'-TGTATTTCACAACACCACCTTTTGCATTGTCAATTCCCATCTGGCTGCACACGTGGAGGA[CTT>C]TGAGAGAAGGAATCAAGATTATAAGGACATTTGTGCGAGAATGAGTTTTGTGGTCCCAAA-3'

ClinVar aggregate classification (germline): Pathogenic (1 of 4 stars; one submission).

Submission:

GeneDx
Classification: Pathogenic. Last evaluated: 2023-03-07. Review status: criteria provided, single submitter. Criteria: GeneDx Variant Classification Process June 2021. Collection method: clinical testing. Allele origin: germline. Affected: yes.
Comment: Nonsense variant predicted to result in protein truncation or nonsense mediated decay in a gene for which loss of function is a known mechanism of disease; Not observed at significant frequency in large population cohorts (gnomAD); Has not been previously published as pathogenic or benign to our knowledge